The following is an entry in ClinVar:

ClinVar aggregate classification (germline): Uncertain significance (1 of 4 stars; one submission).

Submission:

Labcorp Genetics (formerly Invitae), Labcorp
Classification: Uncertain significance. Last evaluated: 2022-10-18. Review status: criteria provided, single submitter. Criteria: Invitae Variant Classification Sherloc (09022015). Collection method: clinical testing. Allele origin: germline.
Comment: This variant has not been reported in the literature in individuals affected with DDX58-related conditions. Algorithms developed to predict the effect of missense changes on protein structure and function are either unavailable or do not agree on the potential impact of this missense change (SIFT: "Deleterious"; PolyPhen-2: "Benign"; Align-GVGD: "Class C0"). In summary, the available evidence is currently insufficient to determine the role of this variant in disease. Therefore, it has been classified as a Variant of Uncertain Significance. This variant is not present in population databases (gnomAD no frequency). This sequence change replaces tyrosine, which is neutral and polar, with cysteine, which is neutral and slightly polar, at codon 82 of the DDX58 protein (p.Tyr82Cys).

NM_014314.4(RIGI):c.245A>G (p.Tyr82Cys)

Gene: RIGI (RNA sensor RIG-I; minus strand). Cytogenetic location: 9p21.1.
Variant type: single nucleotide variant.
Coding change: c.245A>G on transcript NM_014314.4 (MANE Select); coding-DNA position 245, A replaced by G.
Protein change: p.Tyr82Cys; replaces tyrosine 82 with cysteine.
Molecular consequence: missense variant. On other transcripts: 5 prime UTR variant (3).
Genome position (GRCh38, 1-based): chr9:32,493,939, T>C on the plus strand (A>G on the coding strand, the complement: RIGI is on the minus strand). VCF-style: chr9-32493939-T-C. GRCh37 (hg19) VCF-style: chr9-32493937-T-C.
Other names: c.245A>G, p.Tyr82Cys (NM_001385907.1, NM_001385909.1, NM_001385913.1); c.-210A>G (NM_001385910.1, NM_001385914.1); c.-217A>G (NM_001385912.1); short protein forms Y82C.
Identifiers: ClinVar variation 2034749 (VCV002034749.4), dbSNP rs2489341590, ClinGen allele CA373165683.